The following is an entry in ClinVar:

ClinVar aggregate classification (germline): Uncertain significance (1 of 4 stars; one submission).

Conditions:
Hypertrophic cardiomyopathy. Also called: HYPERTROPHIC MYOCARDIOPATHY. Identifiers: Orphanet 217569, MedGen C0007194, MeSH D002312, MONDO:0005045, HP:0001639.

Submission:

All of Us Research Program, National Institutes of Health
Classification: Uncertain significance for Hypertrophic cardiomyopathy. Last evaluated: 2024-07-29. Review status: criteria provided, single submitter. Criteria: ACMG Guidelines, 2015. Collection method: clinical testing. Allele origin: germline. Inheritance: Autosomal dominant inheritance. Observed: 1 variant allele, 1 heterozygote.
Comment: This missense variant replaces glycine with serine at codon 378 of the MYBPC3 protein. Computational prediction suggests that this variant may have deleterious impact on protein structure and function (internally defined REVEL score threshold >= 0.7, PMID: 27666373). To our knowledge, functional studies have not been reported for this variant. This variant has not been reported in individuals affected with MYBPC3-related disorders in the literature. This variant has not been identified in the general population by the Genome Aggregation Database (gnomAD). The available evidence is insufficient to determine the role of this variant in disease conclusively. Therefore, this variant is classified as a Variant of Uncertain Significance.

This study involves interpretation of variants in research participants for the purpose of population health screening. Participant phenotype was not available at the time of variant classification. Additional details can be found in publication PMID: 35346344, PMCID: PMC8962531

NM_000256.3(MYBPC3):c.1132G>A (p.Gly378Ser)

Gene: MYBPC3 (myosin binding protein C3; minus strand). Cytogenetic location: 11p11.2.
Variant type: single nucleotide variant.
Coding change: c.1132G>A on transcript NM_000256.3 (MANE Select); coding-DNA position 1132, G replaced by A.
Protein change: p.Gly378Ser; replaces glycine 378 with serine.
Molecular consequence: missense variant.
Genome position (GRCh38, 1-based): chr11:47,343,583, C>T on the plus strand (G>A on the coding strand, the complement: MYBPC3 is on the minus strand). VCF-style: chr11-47343583-C-T. GRCh37 (hg19) VCF-style: chr11-47365134-C-T.
Other names: short protein forms G378S.
Identifiers: ClinVar variation 3387137 (VCV003387137.1).